The following is an entry in ClinVar:

NM_033225.6(CSMD1):c.8935G>A (p.Gly2979Ser)

Genes: CSMD1 (CUB and Sushi multiple domains 1; minus strand), LOC105377785 (uncharacterized LOC105377785; plus strand). Cytogenetic location: 8p23.2.
Variant type: single nucleotide variant.
Coding change: c.8935G>A on transcript NM_033225.6 (MANE Select); coding-DNA position 8935, G replaced by A.
Protein change: p.Gly2979Ser; replaces glycine 2979 with serine.
Molecular consequence: missense variant.
Genome position (GRCh38, 1-based): chr8:2,966,735, C>T on the plus strand (G>A on the coding strand, the complement: CSMD1 is on the minus strand). VCF-style: chr8-2966735-C-T. GRCh37 (hg19) VCF-style: chr8-2824257-C-T.
Other names: short protein forms G2979S.
Identifiers: ClinVar variation 721279 (VCV000721279.34), dbSNP rs117633452, ClinGen allele CA4605340.

ClinVar aggregate classification (germline): Benign/Likely benign. Review status: criteria provided, multiple submitters, no conflicts (2 of 4 stars). 6 submissions from 6 submitters: Benign (1); Likely benign (3). 2 of the submissions do not count toward it. Last evaluated 2026-01-01.

Conditions:
CSMD1-related disorder. Also called: CSMD1-related condition.
Cerebellar ataxia. Identifiers: Orphanet 102002, MedGen C0007758, MONDO:0000437.

Allele frequency attached by ClinVar (database versions not stated): 1000 Genomes Project 0.00419; 1000 Genomes Project 30x 0.00468; TOPMed 0.00538; gnomAD exomes 0.00546 and 0.00838; gnomAD 0.00586 and 0.00590; ExAC 0.00593; ESP Exome Variant Server 0.00597.
gnomAD v4.1: 13,108 of 1,613,354 alleles (0.81%); highest among the groups gnomAD compares: Non-Finnish European, 0.97%; 79 homozygotes.

Submissions (6):

CeGaT Center for Human Genetics Tuebingen
Classification: Benign. Last evaluated: 2026-01-01. Review status: criteria provided, single submitter. Criteria: CeGaT Center For Human Genetics Tuebingen Variant Classification Criteria Version 2. Collection method: clinical testing. Allele origin: germline. Affected: yes. Observed: 7 variant alleles.
Comment: CSMD1: BS1, BS2

Genomic Medicine Center of Excellence, King Faisal Specialist Hospital and Research Centre
Classification: Likely benign. Last evaluated: 2025-08-18. Review status: criteria provided, single submitter. Criteria: ACMG Guidelines, 2015. Collection method: clinical testing. Allele origin: germline.

Labcorp Genetics (formerly Invitae), Labcorp
Classification: Likely benign. Last evaluated: 2019-12-31. Review status: criteria provided, single submitter. Criteria: Invitae Variant Classification Sherloc (09022015). Collection method: clinical testing. Allele origin: germline.

Breakthrough Genomics
Classification: Likely benign. Review status: criteria provided, single submitter. Criteria: ACMG Guidelines, 2015. Collection method: not provided. Allele origin: germline. Inheritance: Unknown mechanism. Affected: yes.

PreventionGenetics, part of Exact Sciences
Classification: Benign for CSMD1-related condition. Last evaluated: 2019-05-24. Review status: no assertion criteria provided. Collection method: clinical testing. Allele origin: germline. Not counted in ClinVar's aggregate classification.
Comment: This variant is classified as benign based on ACMG/AMP sequence variant interpretation guidelines (Richards et al. 2015 PMID: 25741868, with internal and published modifications).

Vavilov Institute of General Genetics RAS, Laboratory of Evolutional Genomics
Classification: Pathogenic for Cerebellar ataxia. Review status: no assertion criteria provided. Collection method: research. Allele origin: inherited. Affected: yes. Not counted in ClinVar's aggregate classification.

Literature cited by the submitters: PubMed 35351988 (cited by Vavilov Institute of General Genetics RAS, Laboratory of Evolutional Genomics).